The following is an entry in ClinVar:

NM_003000.3(SDHB):c.835T>A (p.Ser279Thr)

Gene: SDHB (succinate dehydrogenase complex iron sulfur subunit B; minus strand). Cytogenetic location: 1p36.13.
Variant type: single nucleotide variant.
Coding change: c.835T>A on transcript NM_003000.3 (MANE Select); coding-DNA position 835, T replaced by A.
Protein change: p.Ser279Thr; replaces serine 279 with threonine.
Molecular consequence: missense variant.
Genome position (GRCh38, 1-based): chr1:17,018,889, A>T on the plus strand (T>A on the coding strand, the complement: SDHB is on the minus strand). VCF-style: chr1-17018889-A-T. GRCh37 (hg19) VCF-style: chr1-17345384-A-T.
Other names: short protein forms S279T.
Identifiers: ClinVar variation 657450 (VCV000657450.21), dbSNP rs1275426951, ClinGen allele CA338268655.

ClinVar aggregate classification (germline): Uncertain significance. Review status: criteria provided, multiple submitters, no conflicts (2 of 4 stars). 4 submissions from 4 submitters: Uncertain significance (4). Last evaluated 2026-01-19.

Conditions:
Gastrointestinal stromal tumor. Also called: Gastrointestinal stromal tumor, somatic; Gastrointestinal stroma tumor. Identifiers: Orphanet 44890, MedGen C0238198, MeSH D046152, MONDO:0011719, OMIM 606764, HP:0100723.
Pheochromocytoma/paraganglioma syndrome 4. Also called: SDHB-Related Hereditary Paraganglioma-Pheochromocytoma Syndrome (Paragangliomas 4); PARAGANGLIOMA, FAMILIAL MALIGNANT; PARAGANGLIOMAS, HEREDITARY EXTRAADRENAL; PHEOCHROMOCYTOMA, FAMILIAL EXTRAADRENAL; Paragangliomas 4; SDHB-Related Hereditary Paraganglioma-Pheochromocytoma Syndrome. Identifiers: Orphanet 29072, MedGen C1861848, MONDO:0007273, OMIM 115310.
Pheochromocytoma. Also called: MAX-Related Hereditary Paraganglioma-Pheochromocytoma Syndrome. Identifiers: Orphanet 29072, MedGen C0031511, MONDO:0008233, OMIM 171300, HP:0002666.
Hereditary pheochromocytoma and paraganglioma. Also called: Hereditary Paraganglioma-Pheochromocytoma Syndromes; Hereditary paragangliomas and pheochromocytomas; Hereditary pheochromocytoma-paraganglioma. Identifiers: Orphanet 29072, MedGen C4274332, MONDO:0017366.
Hereditary cancer-predisposing syndrome. Also called: Neoplastic Syndromes, Hereditary; Hereditary Cancer Syndrome; Tumor predisposition; Hereditary neoplastic syndrome. Identifiers: Orphanet 140162, MedGen C0027672, MeSH D009386, MONDO:0015356.

Allele frequency attached by ClinVar (database versions not stated): gnomAD 0.00001; TOPMed 0.00001.
gnomAD v4.1: 2 of 1,609,734 alleles (0.00012%); highest among the groups gnomAD compares: Non-Finnish European, 0.00017%; no homozygotes.

Submissions (4):

Labcorp Genetics (formerly Invitae), Labcorp
Classification: Uncertain significance for Gastrointestinal stromal tumor; Pheochromocytoma/paraganglioma syndrome 4; Pheochromocytoma. Last evaluated: 2026-01-19. Review status: criteria provided, single submitter. Criteria: Invitae Variant Classification Sherloc (09022015). Collection method: clinical testing. Allele origin: germline.
Comment: This sequence change replaces serine, which is neutral and polar, with threonine, which is neutral and polar, at codon 279 of the SDHB protein (p.Ser279Thr). This variant is not present in population databases (gnomAD no frequency). This variant has not been reported in the literature in individuals affected with SDHB-related conditions. ClinVar contains an entry for this variant (Variation ID: 657450). Invitae Evidence Modeling of protein sequence and biophysical properties (such as structural, functional, and spatial information, amino acid conservation, physicochemical variation, residue mobility, and thermodynamic stability) indicates that this missense variant is not expected to disrupt SDHB protein function with a negative predictive value of 95%. In summary, the available evidence is currently insufficient to determine the role of this variant in disease. Therefore, it has been classified as a Variant of Uncertain Significance.

CeGaT Center for Human Genetics Tuebingen
Classification: Uncertain significance. Last evaluated: 2025-06-01. Review status: criteria provided, single submitter. Criteria: CeGaT Center For Human Genetics Tuebingen Variant Classification Criteria Version 2. Collection method: clinical testing. Allele origin: germline. Affected: yes. Observed: 1 variant allele.
Comment: SDHB: PM2

Ambry Genetics
Classification: Uncertain significance for Hereditary cancer-predisposing syndrome. Last evaluated: 2025-04-03. Review status: criteria provided, single submitter. Criteria: Ambry Variant Classification Scheme 2023. Collection method: clinical testing. Allele origin: germline.
Comment: The p.S279T variant (also known as c.835T>A), located in coding exon 8 of the SDHB gene, results from a T to A substitution at nucleotide position 835. The serine at codon 279 is replaced by threonine, an amino acid with similar properties. This amino acid position is not well conserved in available vertebrate species. In addition, this alteration is predicted to be tolerated by in silico analysis. Since supporting evidence is limited at this time, the clinical significance of this alteration remains unclear.

All of Us Research Program, National Institutes of Health
Classification: Uncertain significance for Hereditary pheochromocytoma and paraganglioma. Last evaluated: 2023-04-03. Review status: criteria provided, single submitter. Criteria: ACMG Guidelines, 2015. Collection method: clinical testing. Allele origin: germline. Inheritance: Autosomal dominant inheritance. Observed: 1 variant allele, 1 heterozygote.
Comment: This missense variant replaces serine with threonine at codon 279 of the SDHB protein. Computational prediction suggests that this variant may not impact protein structure and function (internally defined REVEL score threshold <= 0.5, PMID: 27666373). To our knowledge, functional studies have not been reported for this variant. This variant has not been reported in individuals affected with SDHB-related disorders in the literature. This variant has not been identified in the general population by the Genome Aggregation Database (gnomAD). The available evidence is insufficient to determine the role of this variant in disease conclusively. Therefore, this variant is classified as a Variant of Uncertain Significance.

This study involves interpretation of variants in research participants for the purpose of population health screening. Participant phenotype was not available at the time of variant classification. Additional details can be found in publication PMID: 35346344, PMCID: PMC8962531